The following is an entry in ClinVar:

ClinVar aggregate classification (germline): Uncertain significance. Review status: criteria provided, multiple submitters, no conflicts (2 of 4 stars). 3 submissions from 3 submitters: Uncertain significance (3). Last evaluated 2025-03-07.

Conditions:
Joubert syndrome. Also called: JOUBERT-BOLTSHAUSER SYNDROME; Familial aplasia of the vermis. Identifiers: Orphanet 475, MedGen C5979921, MONDO:0018772.
Meckel-Gruber syndrome. Also called: DYSENCEPHALIA SPLANCHNOCYSTICA; GRUBER SYNDROME; Dysencephalia splachnocystica. Identifiers: Orphanet 564, MedGen C0265215, MONDO:0018921.

Allele frequency attached by ClinVar (database versions not stated): ExAC 0.00001; gnomAD 0.00001; gnomAD exomes 0.00001 and 0.00002; TOPMed 0.00001.
gnomAD v4.1: 8 of 1,613,734 alleles (0.0005%); highest among the groups gnomAD compares: Admixed American, 0.012%; no homozygotes.

Submissions (3):

Women's Health and Genetics/Laboratory Corporation of America, LabCorp
Classification: Uncertain significance. Last evaluated: 2025-03-07. Review status: criteria provided, single submitter. Criteria: LabCorp Variant Classification Summary - May 2015. Collection method: clinical testing. Allele origin: germline.
Comment: Variant summary: CC2D2A c.1672G>A (p.Glu558Lys) results in a conservative amino acid change in the encoded protein sequence. Two of three in-silico tools predict a benign effect of the variant on protein function. The variant allele was found at a frequency of 2.4e-05 in 248918 control chromosomes. The available data on variant occurrences in the general population are insufficient to allow any conclusion about variant significance. To our knowledge, no occurrence of c.1672G>A in individuals affected with CC2D2A-Related Disorders and no experimental evidence demonstrating its impact on protein function have been reported. ClinVar contains an entry for this variant (Variation ID: 1507896). Based on the evidence outlined above, the variant was classified as uncertain significance.

Labcorp Genetics (formerly Invitae), Labcorp
Classification: Uncertain significance for Joubert syndrome; Meckel-Gruber syndrome. Last evaluated: 2024-10-28. Review status: criteria provided, single submitter. Criteria: Invitae Variant Classification Sherloc (09022015). Collection method: clinical testing. Allele origin: germline.
Comment: This sequence change replaces glutamic acid, which is acidic and polar, with lysine, which is basic and polar, at codon 558 of the CC2D2A protein (p.Glu558Lys). This variant is present in population databases (rs766924214, gnomAD 0.02%). This variant has not been reported in the literature in individuals affected with CC2D2A-related conditions. ClinVar contains an entry for this variant (Variation ID: 1507896). Invitae Evidence Modeling of protein sequence and biophysical properties (such as structural, functional, and spatial information, amino acid conservation, physicochemical variation, residue mobility, and thermodynamic stability) indicates that this missense variant is expected to disrupt CC2D2A protein function with a positive predictive value of 95%. In summary, the available evidence is currently insufficient to determine the role of this variant in disease. Therefore, it has been classified as a Variant of Uncertain Significance.

Mayo Clinic Laboratories, Mayo Clinic
Classification: Uncertain significance. Last evaluated: 2023-11-22. Review status: criteria provided, single submitter. Criteria: ACMG Guidelines, 2015. Collection method: clinical testing. Allele origin: germline. Observed: 1 variant allele.
Comment: PM2_moderate

NM_001378615.1(CC2D2A):c.1672G>A (p.Glu558Lys)

Genes: CC2D2A (coiled-coil and C2 domain containing 2A; plus strand), FBXL5 (F-box and leucine rich repeat protein 5; minus strand). Cytogenetic location: 4p15.32.
Variant type: single nucleotide variant.
Coding change: c.1672G>A on transcript NM_001378615.1 (MANE Select); coding-DNA position 1672, G replaced by A.
Protein change: p.Glu558Lys; replaces glutamic acid 558 with lysine.
Molecular consequence: missense variant.
Genome position (GRCh38, 1-based): chr4:15,536,984, G>A. VCF-style: chr4-15536984-G-A. GRCh37 (hg19) VCF-style: chr4-15538607-G-A.
Other names: p.Glu558Lys; c.1672G>A, p.Glu558Lys (NM_001080522.2); c.1525G>A, p.Glu509Lys (NM_001378617.1); short protein forms E558K, E509K.
Identifiers: ClinVar variation 1507896 (VCV001507896.7), dbSNP rs766924214, ClinGen allele CA2863729.